The following is an entry in ClinVar:

ClinVar aggregate classification (germline): Uncertain significance (1 of 4 stars; one submission).

Conditions:
Immunodeficiency, common variable, 4. Also called: ANTIBODY DEFICIENCY DUE TO BAFFR DEFECT. Identifiers: Orphanet 1572, Orphanet 696925, MedGen C3150739, MONDO:0013284, OMIM 613494.

Allele frequency attached by ClinVar (database versions not stated): TOPMed 0.00002; gnomAD exomes 0.00001; gnomAD 0.00002.
gnomAD v4.1: 21 of 1,610,838 alleles (0.0013%); highest among the groups gnomAD compares: Non-Finnish European, 0.0018%; no homozygotes.

Submission:

Labcorp Genetics (formerly Invitae), Labcorp
Classification: Uncertain significance for Immunodeficiency, common variable, 4. Last evaluated: 2022-09-21. Review status: criteria provided, single submitter. Criteria: Invitae Variant Classification Sherloc (09022015). Collection method: clinical testing. Allele origin: germline.
Comment: In summary, the available evidence is currently insufficient to determine the role of this variant in disease. Therefore, it has been classified as a Variant of Uncertain Significance. Algorithms developed to predict the effect of missense changes on protein structure and function output the following: SIFT: "Tolerated"; PolyPhen-2: "Benign"; Align-GVGD: "Class C0". The leucine amino acid residue is found in multiple mammalian species, which suggests that this missense change does not adversely affect protein function. This variant has not been reported in the literature in individuals affected with TNFRSF13C-related conditions. This variant is present in population databases (no rsID available, gnomAD 0.001%). This sequence change replaces valine, which is neutral and non-polar, with leucine, which is neutral and non-polar, at codon 99 of the TNFRSF13C protein (p.Val99Leu).

NM_052945.4(TNFRSF13C):c.295G>C (p.Val99Leu)

Genes: TNFRSF13C (TNF receptor superfamily member 13C; minus strand), LOC130067574 (ATAC-STARR-seq lymphoblastoid silent region 13813; plus strand). Cytogenetic location: 22q13.2.
Variant type: single nucleotide variant.
Coding change: c.295G>C on transcript NM_052945.4 (MANE Select); coding-DNA position 295, G replaced by C.
Protein change: p.Val99Leu; replaces valine 99 with leucine.
Molecular consequence: missense variant.
Genome position (GRCh38, 1-based): chr22:41,926,173, C>G on the plus strand (G>C on the coding strand, the complement: TNFRSF13C is on the minus strand). VCF-style: chr22-41926173-C-G. GRCh37 (hg19) VCF-style: chr22-42322177-C-G.
Other names: short protein forms V99L.
Identifiers: ClinVar variation 2199741 (VCV002199741.4), dbSNP rs1002488801, ClinGen allele CA324633575.
Genomic context (GRCh38, chr22:41,926,173, plus strand): 5'-CGTCGGGGGCCTCTGCGGAGGACGCGCCGCGAAGCCGCCGCTGTCGCCGCCTCCAGCTCA[C>G]CAGACCCACCAGGACCAGCGCCAGGACCAGTGCCAGGCCCAGCAGCGCGGGGGCGCCAAA-3'
Protein context (NP_443177.1, residues 89-109): LVLALVLVGL[Val99Leu]SWRRRQRRLR